The following is an entry in ClinVar:

ClinVar aggregate classification (germline): Uncertain significance. Review status: criteria provided, single submitter (1 of 4 stars). 2 submissions from 2 submitters: Uncertain significance (1). 1 of the submissions does not count toward it. Last evaluated 2025-03-29.

Conditions:
OPTN-related disorder. Also called: OPTN-related condition; OPTN-related disorders.
Primary open angle glaucoma (POAG). Also called: OPTN-related open angle glaucoma. Identifiers: MedGen C0339573, MONDO:0100553, OMIM 137760.
Amyotrophic lateral sclerosis type 12 (ALS12). Also called: AMYOTROPHIC LATERAL SCLEROSIS 12 WITH OR WITHOUT FRONTOTEMPORAL DEMENTIA. Identifiers: Orphanet 803, MedGen C3150692, MONDO:0013264, OMIM 613435.
Glaucoma 1, open angle, E. Identifiers: MedGen C1842026, MONDO:0007665.

gnomAD v4.1: 8 of 1,613,548 alleles (0.0005%); highest among the groups gnomAD compares: East Asian, 0.018%; no homozygotes.

Submissions (2):

Labcorp Genetics (formerly Invitae), Labcorp
Classification: Uncertain significance for Primary open angle glaucoma; Glaucoma 1, open angle, E; Amyotrophic lateral sclerosis type 12. Last evaluated: 2025-03-29. Review status: criteria provided, single submitter. Criteria: Invitae Variant Classification Sherloc (09022015). Collection method: clinical testing. Allele origin: germline.
Comment: This sequence change replaces leucine, which is neutral and non-polar, with tryptophan, which is neutral and slightly polar, at codon 494 of the OPTN protein (p.Leu494Trp). This variant is present in population databases (rs777195053, gnomAD 0.03%). This missense change has been observed in individual(s) with amyotrophic lateral sclerosis and/or open angle glaucoma (PMID: 24908169, 29540704, 31838784). ClinVar contains an entry for this variant (Variation ID: 3351422). Invitae Evidence Modeling of protein sequence and biophysical properties (such as structural, functional, and spatial information, amino acid conservation, physicochemical variation, residue mobility, and thermodynamic stability) indicates that this missense variant is not expected to disrupt OPTN protein function with a negative predictive value of 80%. In summary, the available evidence is currently insufficient to determine the role of this variant in disease. Therefore, it has been classified as a Variant of Uncertain Significance.

PreventionGenetics, part of Exact Sciences
Classification: Uncertain significance for OPTN-related condition. Last evaluated: 2024-07-30. Review status: no assertion criteria provided. Collection method: clinical testing. Allele origin: germline. Not counted in ClinVar's aggregate classification.
Comment: The OPTN c.1481T>G variant is predicted to result in the amino acid substitution p.Leu494Trp. This variant has been reported in individuals with amyotrophic lateral sclerosis (ALS) (Soong et al. 2014. PubMed ID: 24908169; Feng et al. 2019. PubMed ID: 31838784) and primary progressive aphasia (Nan et al. 2024. PubMed ID: 38872230). This variant was also reported in an individual with juvenile onset open-angle glaucoma; An in vitro functional study using Neuro2A cells demonstrated that expression of this variant resulted in the formation of vesicular structures that co-localized with LC3 puncta, similar to OPTN wild-type (Nan et al. 2024. PubMed ID: 38872230). This variant is reported in 0.025% of alleles in individuals of East Asian descent in gnomAD. At this time, the clinical significance of this variant is uncertain due to the absence of conclusive functional and genetic evidence.

Literature cited by the submitters: PubMed 24908169 (cited by Labcorp Genetics (formerly Invitae), Labcorp); PubMed 29540704 (cited by Labcorp Genetics (formerly Invitae), Labcorp); PubMed 31838784 (cited by Labcorp Genetics (formerly Invitae), Labcorp).

NM_001008212.2(OPTN):c.1481T>G (p.Leu494Trp)

Gene: OPTN (optineurin; plus strand). Cytogenetic location: 10p13.
Variant type: single nucleotide variant.
Coding change: c.1481T>G on transcript NM_001008212.2 (MANE Select); coding-DNA position 1481, T replaced by G.
Protein change: p.Leu494Trp; replaces leucine 494 with tryptophan.
Molecular consequence: missense variant.
Genome position (GRCh38, 1-based): chr10:13,132,146, T>G. VCF-style: chr10-13132146-T-G. GRCh37 (hg19) VCF-style: chr10-13174146-T-G.
Other names: c.1481T>G, p.Leu494Trp (NM_001008211.1, NM_001008213.1, NM_021980.4); short protein forms L494W.
Identifiers: ClinVar variation 3351422 (VCV003351422.2).